The following is an entry in ClinVar:

NM_001148.6(ANK2):c.5852T>C (p.Val1951Ala)

Genes: ANK2 (ankyrin 2; plus strand), LOC126807136 (MED14-independent group 3 enhancer GRCh37_chr4:114274931-114276130; plus strand). Cytogenetic location: 4q26.
Variant type: single nucleotide variant.
Coding change: c.5852T>C on transcript NM_001148.6 (MANE Select); coding-DNA position 5852, T replaced by C.
Protein change: p.Val1951Ala; replaces valine 1951 with alanine.
Molecular consequence: missense variant. On other transcripts: intron variant (68).
Genome position (GRCh38, 1-based): chr4:113,354,470, T>C. VCF-style: chr4-113354470-T-C. GRCh37 (hg19) VCF-style: chr4-114275626-T-C.
Other names: c.4042+4221T>C (NM_001354277.2, NM_001386157.1); c.4360+4221T>C (NM_001386161.1, NM_001354244.2, NM_001354256.2); c.4285+4221T>C (NM_001354261.2); c.4165+4221T>C (NM_001386156.1, NM_001354257.2); c.4261+4221T>C (NM_001354264.2); c.4240+4221T>C (NM_001354267.2, NM_001386162.1, NM_001354249.2 and 2 more transcripts); c.4141+4221T>C (NM_001354271.2, NM_001386151.1, NM_001354260.2); c.3943+4221T>C (NM_001386158.1); and 35 more; short protein forms V1873A, V1990A, V1998A, V1951A, V751A.
Identifiers: ClinVar variation 1750082 (VCV001750082.2), dbSNP rs145358906, ClinGen allele CA3051320.
Genomic context (GRCh38, chr4:113,354,470, plus strand): 5'-GGAGAACAGAAAAACGCTTGCCTGTTTCACCCTCCGGAAGAACGGACAAGCACCAACCTG[T>C]ATCAACAGCTGGGAAAACTGAGAAGCACCTGCCTGTGTCACCTTCTGGCAAAACAGAAAA-3'
Protein context (NP_001139.3, residues 1941-1961): PSGRTDKHQP[Val1951Ala]STAGKTEKHL

ClinVar aggregate classification (germline): Uncertain significance (1 of 4 stars; one submission).

Conditions:
Cardiovascular phenotype. Identifiers: MedGen CN230736.

Allele frequency attached by ClinVar (database versions not stated): gnomAD exomes below 0.00001; TOPMed below 0.00001; ExAC 0.00001; gnomAD 0.00001; ESP Exome Variant Server 0.00008.
gnomAD v4.1: 5 of 1,613,960 alleles (0.00031%); highest among the groups gnomAD compares: Non-Finnish European, 0.00042%; no homozygotes.

Submission:

Ambry Genetics
Classification: Uncertain significance for Cardiovascular phenotype. Last evaluated: 2022-02-11. Review status: criteria provided, single submitter. Criteria: Ambry Variant Classification Scheme 2023. Collection method: clinical testing. Allele origin: germline.
Comment: The p.V1951A variant (also known as c.5852T>C), located in coding exon 38 of the ANK2 gene, results from a T to C substitution at nucleotide position 5852. The valine at codon 1951 is replaced by alanine, an amino acid with similar properties. This amino acid position is conserved. In addition, this alteration is predicted to be tolerated by in silico analysis. Since supporting evidence is limited at this time, the clinical significance of this alteration remains unclear.